The following is an entry in ClinVar:

NM_001128425.2(MUTYH):c.-5C>T

Genes: MUTYH (mutY DNA glycosylase; minus strand), TOE1 (target of EGR1, exonuclease; plus strand). Cytogenetic location: 1p34.1.
Variant type: single nucleotide variant.
Coding change: c.-5C>T on transcript NM_001128425.2 (MANE Plus Clinical); 5 bases upstream of the start codon, C replaced by T.
Molecular consequence: 5 prime UTR variant. On other transcripts: missense variant (1), non-coding transcript variant (3).
Genome position (GRCh38, 1-based): chr1:45,340,259, G>A on the plus strand (C>T on the coding strand, the complement: MUTYH is on the minus strand). VCF-style: chr1-45340259-G-A. GRCh37 (hg19) VCF-style: chr1-45805931-G-A.
Other names: c.7G>A, p.Ala3Thr (NM_025077.4); c.-47C>T (NM_001048171.2); c.-5C>T (NM_001293190.2, NM_001407069.1, NM_001407073.1 and 1 more transcripts); c.-259C>T (NM_001293192.2); c.-318C>T (NM_001350650.2); c.-254C>T (NM_001350651.2); c.-63C>T (NM_001407070.1, NM_001407071.1); c.-43C>T (NM_001407072.1); short protein forms A3T.
Identifiers: ClinVar variation 1750994 (VCV001750994.3), dbSNP rs2149249386, ClinGen allele CA340137946.
Genomic context (GRCh38, chr1:45,340,259, plus strand): 5'-GGACCGCAAGTCCAGCGTACCCACAGACGACTCAGGCGGGAGACGAGCGGTGTCATGGCC[G>A]CCGACAGTGACGATGGCGCAGTTTCAGCTCCCGCAGCTTCCGACGGTGAGCGGCTTCCCA-3'

ClinVar aggregate classification (germline): Uncertain significance. Review status: criteria provided, multiple submitters, no conflicts (2 of 4 stars). 2 submissions from 2 submitters: Uncertain significance (2). Last evaluated 2025-12-10.

Conditions:
Hereditary cancer-predisposing syndrome. Also called: Hereditary neoplastic syndrome; Neoplastic Syndromes, Hereditary; Tumor predisposition; Hereditary Cancer Syndrome. Identifiers: Orphanet 140162, MedGen C0027672, MeSH D009386, MONDO:0015356.

Submissions (2):

Ambry Genetics
Classification: Uncertain significance for Hereditary cancer-predisposing syndrome. Last evaluated: 2025-12-10. Review status: criteria provided, single submitter. Criteria: Ambry Variant Classification Scheme 2023. Collection method: clinical testing. Allele origin: germline.
Comment: The c.-5C>T variant is located in the 5' untranslated region (5&rsquo; UTR) of the MUTYH gene. This variant results from a C to T substitution 5 bases upstream from the first translated codon. This nucleotide position is highly conserved in available vertebrate species. Since supporting evidence is limited at this time, the clinical significance of this alteration remains unclear.

Color Diagnostics, LLC DBA Color Health
Classification: Uncertain significance for Hereditary cancer-predisposing syndrome. Last evaluated: 2022-01-28. Review status: criteria provided, single submitter. Criteria: ACMG Guidelines, 2015. Collection method: clinical testing. Allele origin: germline.
Comment: This variant causes a C to T nucleotide substitution at the -5 position in the 5' untranslated region of the MUTYH gene. To our knowledge, functional studies have not been reported for this variant. This variant has not been reported in individuals affected with hereditary cancer in the literature. This variant has not been identified in the general population by the Genome Aggregation Database (gnomAD). The available evidence is insufficient to determine the role of this variant in disease conclusively. Therefore, this variant is classified as a Variant of Uncertain Significance.